The following is an entry in ClinVar:

ClinVar aggregate classification (germline): Uncertain significance (1 of 4 stars; one submission).

gnomAD v4.1: 1 of 1,210,434 alleles (0.000083%); highest among the groups gnomAD compares: Non-Finnish European, 0.00011%; no homozygotes.

Submission:

CeGaT Center for Human Genetics Tuebingen
Classification: Uncertain significance. Last evaluated: 2023-12-01. Review status: criteria provided, single submitter. Criteria: CeGaT Center For Human Genetics Tuebingen Variant Classification Criteria Version 2. Collection method: clinical testing. Allele origin: germline. Affected: yes. Observed: 1 variant allele.
Comment: ZNF711: PM2

NM_001330574.2(ZNF711):c.1897C>A (p.His633Asn)

Gene: ZNF711 (ZFX family zinc finger ZNF711; plus strand). Cytogenetic location: Xq21.1.
Variant type: single nucleotide variant.
Coding change: c.1897C>A on transcript NM_001330574.2 (MANE Select); coding-DNA position 1897, C replaced by A.
Protein change: p.His633Asn; replaces histidine 633 with asparagine.
Molecular consequence: missense variant.
Genome position (GRCh38, 1-based): chrX:85,271,301, C>A. VCF-style: chrX-85271301-C-A. GRCh37 (hg19) VCF-style: chrX-84526307-C-A.
Other names: c.1897C>A, p.His633Asn (NM_001375431.1, NM_001375432.1, NM_001375433.1); c.1759C>A, p.His587Asn (NM_001375434.1, NM_001375435.1, NM_001375436.1 and 2 more transcripts); short protein forms H587N, H633N.
Identifiers: ClinVar variation 3026451 (VCV003026451.22), dbSNP rs1452485356, ClinGen allele CA413775707.